The following is an entry in ClinVar:

NM_001270508.2(TNFAIP3):c.133C>T (p.Arg45Ter)

Gene: TNFAIP3 (TNF alpha induced protein 3; plus strand). Cytogenetic location: 6q23.3.
Variant type: single nucleotide variant.
Coding change: c.133C>T on transcript NM_001270508.2 (MANE Select); coding-DNA position 133, C replaced by T.
Protein change: p.Arg45Ter; replaces arginine 45 with a stop codon.
Molecular consequence: nonsense.
Genome position (GRCh38, 1-based): chr6:137,871,360, C>T. VCF-style: chr6-137871360-C-T. GRCh37 (hg19) VCF-style: chr6-138192497-C-T.
Other names: c.133C>T, p.Arg45Ter (NM_001270507.2, NM_006290.4); short protein forms R45*.
Identifiers: ClinVar variation 1456817 (VCV001456817.8), dbSNP rs1173941971, ClinGen allele CA365780410.

ClinVar aggregate classification (germline): Pathogenic (1 of 4 stars; one submission).

Submission:

Labcorp Genetics (formerly Invitae), Labcorp
Classification: Pathogenic. Last evaluated: 2024-10-24. Review status: criteria provided, single submitter. Criteria: Invitae Variant Classification Sherloc (09022015). Collection method: clinical testing. Allele origin: germline.
Comment: This sequence change creates a premature translational stop signal (p.Arg45*) in the TNFAIP3 gene. It is expected to result in an absent or disrupted protein product. Loss-of-function variants in TNFAIP3 are known to be pathogenic (PMID: 26642243). This variant is not present in population databases (gnomAD no frequency). This premature translational stop signal has been observed in individual(s) with Behcet-like autoinflammatory syndrome (PMID: 29241730). ClinVar contains an entry for this variant (Variation ID: 1456817). For these reasons, this variant has been classified as Pathogenic.

Literature cited by the submitters: PubMed 26642243; PubMed 29241730.